The following is an entry in ClinVar:

ClinVar aggregate classification (germline): Likely benign (0 of 4 stars; one submission).

Conditions:
KDM6B-related disorder. Also called: KDM6B-related condition.

Allele frequency attached by ClinVar (database versions not stated): TOPMed 0.00001; ExAC 0.00004.

Submission:

PreventionGenetics, part of Exact Sciences
Classification: Likely benign for KDM6B-related condition. Last evaluated: 2019-03-04. Review status: no assertion criteria provided. Collection method: clinical testing. Allele origin: germline.
Comment: This variant is classified as likely benign based on ACMG/AMP sequence variant interpretation guidelines (Richards et al. 2015 PMID: 25741868, with internal and published modifications).

NM_001348716.2(KDM6B):c.756A>C (p.Pro252=)

Gene: KDM6B (lysine demethylase 6B; plus strand). Cytogenetic location: 17p13.1.
Variant type: single nucleotide variant.
Coding change: c.756A>C on transcript NM_001348716.2 (MANE Select); coding-DNA position 756, A replaced by C.
Protein change: p.Pro252=; no amino-acid change (proline 252 retained).
Molecular consequence: synonymous variant.
Genome position (GRCh38, 1-based): chr17:7,846,863, A>C. VCF-style: chr17-7846863-A-C. GRCh37 (hg19) VCF-style: chr17-7750181-A-C.
Other names: c.756A>C, p.Pro252= (NM_001080424.2).
Identifiers: ClinVar variation 3038016 (VCV003038016.2), dbSNP rs764869334, ClinGen allele CA8360358.